The following is an entry in ClinVar:

NM_001042492.3(NF1):c.99del (p.Val34fs)

Gene: NF1 (neurofibromin 1; plus strand). Cytogenetic location: 17q11.2.
Variant type: Deletion.
Coding change: c.99del on transcript NM_001042492.3 (MANE Select); coding-DNA position 99, one base deleted (A; older notation c.99delA).
Protein change: p.Val34fs; shifts the reading frame from valine 34.
Molecular consequence: frameshift variant.
Genome position (GRCh38, 1-based): chr17:31,156,021, A deleted; the last of 3 consecutive A bases (chr17:31,156,019-31,156,021); deleting any one gives the same sequence. VCF-style (leftmost placement, unchanged base first): chr17-31156018-CA-C. GRCh37 (hg19) VCF-style: chr17-29483036-CA-C.
Other names: c.99delA (NM_000267.3); c.99delA, p.Val34Serfs (NM_000267.4); c.99del, p.Val34fs (NM_001128147.3); short protein forms V34fs.
Identifiers: ClinVar variation 404524 (VCV000404524.7), dbSNP rs1060500320, ClinGen allele CA16615134.

ClinVar aggregate classification (germline): Pathogenic. Review status: criteria provided, multiple submitters, no conflicts (2 of 4 stars). 2 submissions from 2 submitters: Pathogenic (2). Last evaluated 2024-08-19.

Conditions:
Hereditary cancer-predisposing syndrome. Also called: Tumor predisposition; Neoplastic Syndromes, Hereditary; Hereditary Cancer Syndrome; Hereditary neoplastic syndrome. Identifiers: Orphanet 140162, MedGen C0027672, MeSH D009386, MONDO:0015356.
Cardiovascular phenotype. Identifiers: MedGen CN230736.
Neurofibromatosis, type 1 (NF1). Also called: Neurofibromatosis, type I; NEUROFIBROMATOSIS, TYPE I, SOMATIC; Peripheral type neurofibromatosis; VON RECKLINGHAUSEN DISEASE. Identifiers: Orphanet 636, MedGen C0027831, MONDO:0018975, OMIM 162200. Disease mechanism: loss of function.

Submissions (2):

Labcorp Genetics (formerly Invitae), Labcorp
Classification: Pathogenic for Neurofibromatosis, type 1. Last evaluated: 2024-08-19. Review status: criteria provided, single submitter. Criteria: Invitae Variant Classification Sherloc (09022015). Collection method: clinical testing. Allele origin: germline.
Comment: This sequence change creates a premature translational stop signal (p.Val34Serfs*10) in the NF1 gene. It is expected to result in an absent or disrupted protein product. Loss-of-function variants in NF1 are known to be pathogenic (PMID: 10712197, 23913538). This variant is not present in population databases (gnomAD no frequency). This premature translational stop signal has been observed in individual(s) with neurofibromatosis Type 1 (PMID: 33910856). ClinVar contains an entry for this variant (Variation ID: 404524). For these reasons, this variant has been classified as Pathogenic.

Ambry Genetics
Classification: Pathogenic for Cardiovascular phenotype; Hereditary cancer-predisposing syndrome. Last evaluated: 2020-10-09. Review status: criteria provided, single submitter. Criteria: Ambry Variant Classification Scheme 2023. Collection method: clinical testing. Allele origin: germline.
Comment: The c.99delA pathogenic mutation, located in coding exon 2 of the NF1 gene, results from a deletion of one nucleotide at nucleotide position 99, causing a translational frameshift with a predicted alternate stop codon (p.V34Sfs*10). The predicted stop codon occurs within the first 150 nucleotides of NF1 gene. This alteration may escape nonsense-mediated mRNAdecay and/or be rescued by re-initiation (Rivas et al. Science. 2015 May 8;348(6235):666-9; Lindeboom et al. Nat Genet. 2016 Oct;48(10):1112-8; Rhee et al. Sci Rep. 2017 May 10;7(1):1653). However, the impacted region is critical for protein function (Ambry internal data). This variant was not reported in population-based cohorts in the Genome Aggregation Database (gnomAD). As such, this alteration is interpreted as a disease-causing mutation.

Literature cited by the submitters: PubMed 10712197 (cited by Labcorp Genetics (formerly Invitae), Labcorp); PubMed 23913538 (cited by Labcorp Genetics (formerly Invitae), Labcorp); PubMed 33910856 (cited by Labcorp Genetics (formerly Invitae), Labcorp).